The following is an entry in ClinVar:

NM_000397.4(CYBB):c.1313dup (p.Ile439fs)

Gene: CYBB (cytochrome b-245 beta chain; plus strand). Cytogenetic location: Xp11.4.
Variant type: Duplication.
Coding change: c.1313dup on transcript NM_000397.4 (MANE Select); coding-DNA position 1313, one base duplicated (A; older notation c.1313dupA).
Protein change: p.Ile439fs; shifts the reading frame from isoleucine 439.
Molecular consequence: frameshift variant.
Genome position (GRCh38, 1-based): chrX:37,805,167, A duplicated; the last of 5 consecutive A bases (chrX:37,805,163-37,805,167); duplicating any one gives the same sequence. VCF-style (leftmost placement, unchanged base first): chrX-37805162-C-CA. GRCh37 (hg19) VCF-style: chrX-37664415-C-CA.
Other names: c.1313dupA (NM_000397.3); short protein forms I439fs.
Identifiers: ClinVar variation 646067 (VCV000646067.7), dbSNP rs1602183698, ClinGen allele CA915950926.

ClinVar aggregate classification (germline): Pathogenic (1 of 4 stars; one submission).

Conditions:
Granulomatous disease, chronic, X-linked. Also called: CYTOCHROME b-NEGATIVE GRANULOMATOUS DISEASE, CHRONIC, X-LINKED; GRANULOMATOUS DISEASE, CHRONIC, X-LINKED, SOMATIC MOSAIC. Identifiers: Orphanet 379, MedGen C1844376, MONDO:0010600, OMIM 306400.

Submission:

Labcorp Genetics (formerly Invitae), Labcorp
Classification: Pathogenic for Granulomatous disease, chronic, X-linked. Last evaluated: 2018-09-26. Review status: criteria provided, single submitter. Criteria: Invitae Variant Classification Sherloc (09022015). Collection method: clinical testing. Allele origin: germline.
Comment: For these reasons, this variant has been classified as Pathogenic. Loss-of-function variants in CYBB are known to be pathogenic (PMID: 9585602, 20729109). This variant has not been reported in the literature in individuals with CYBB-related disease. This variant is not present in population databases (ExAC no frequency). This sequence change creates a premature translational stop signal (p.Ile439Aspfs*14) in the CYBB gene. It is expected to result in an absent or disrupted protein product.

Literature cited by the submitters: PubMed 9585602; PubMed 20729109.